The following is an entry in ClinVar:

NM_005045.4(RELN):c.2911A>G (p.Met971Val)

Gene: RELN (reelin; minus strand). Cytogenetic location: 7q22.1.
Variant type: single nucleotide variant.
Coding change: c.2911A>G on transcript NM_005045.4 (MANE Select); coding-DNA position 2911, A replaced by G.
Protein change: p.Met971Val; replaces methionine 971 with valine.
Molecular consequence: missense variant.
Genome position (GRCh38, 1-based): chr7:103,610,792, T>C on the plus strand (A>G on the coding strand, the complement: RELN is on the minus strand). VCF-style: chr7-103610792-T-C. GRCh37 (hg19) VCF-style: chr7-103251239-T-C.
Other names: c.2911A>G, p.Met971Val (NM_173054.3); short protein forms M971V.
Identifiers: ClinVar variation 3757974 (VCV003757974.2).
Genomic context (GRCh38, chr7:103,610,792, plus strand): 5'-ACTGTGTAAACTCACTGGCATGGTAAATACTTGCTGATGTAAATTCCTGACAACTTGGCA[T>C]ACTTGGAAGGCATTCCTGAAAGAAAGTTAGGCACAAATCAAACCCAGCTTCTGTTTTCCT-3'
Protein context (NP_005036.2, residues 961-981): HLVQEECLPS[Met971Val]PSCQEFTSAS

ClinVar aggregate classification (germline): Uncertain significance (1 of 4 stars; one submission).

Conditions:
Norman-Roberts syndrome (LIS2). Also called: Lissencephaly 2 (Norman-Roberts type). Identifiers: Orphanet 89844, MedGen C0796089, MONDO:0009760, OMIM 257320.
Familial temporal lobe epilepsy 7. Identifiers: Orphanet 101046, MedGen C4225327, MONDO:0014639, OMIM 616436.

Submission:

Labcorp Genetics (formerly Invitae), Labcorp
Classification: Uncertain significance for Familial temporal lobe epilepsy 7; Norman-Roberts syndrome. Last evaluated: 2024-12-02. Review status: criteria provided, single submitter. Criteria: Invitae Variant Classification Sherloc (09022015). Collection method: clinical testing. Allele origin: germline.
Comment: This sequence change replaces methionine, which is neutral and non-polar, with valine, which is neutral and non-polar, at codon 971 of the RELN protein (p.Met971Val). This variant is not present in population databases (gnomAD no frequency). This variant has not been reported in the literature in individuals affected with RELN-related conditions. Invitae Evidence Modeling of protein sequence and biophysical properties (such as structural, functional, and spatial information, amino acid conservation, physicochemical variation, residue mobility, and thermodynamic stability) indicates that this missense variant is not expected to disrupt RELN protein function with a negative predictive value of 80%. In summary, the available evidence is currently insufficient to determine the role of this variant in disease. Therefore, it has been classified as a Variant of Uncertain Significance.